The following is an entry in ClinVar:

NM_001042492.3(NF1):c.7246C>G (p.Leu2416Val)

Gene: NF1 (neurofibromin 1; plus strand). Cytogenetic location: 17q11.2.
Variant type: single nucleotide variant.
Coding change: c.7246C>G on transcript NM_001042492.3 (MANE Select); coding-DNA position 7246, C replaced by G.
Protein change: p.Leu2416Val; replaces leucine 2416 with valine.
Molecular consequence: missense variant.
Genome position (GRCh38, 1-based): chr17:31,349,176, C>G. VCF-style: chr17-31349176-C-G. GRCh37 (hg19) VCF-style: chr17-29676194-C-G.
Other names: c.7183C>G, p.Leu2395Val (NM_000267.4); short protein forms L2395V, L2416V.
Identifiers: ClinVar variation 1056093 (VCV001056093.8), dbSNP rs786201310, ClinGen allele CA399016767.
Genomic context (GRCh38, chr17:31,349,176, plus strand): 5'-GTAGGGTACAGGCATCCTTCACCTGCTATTGTTGCAAGAACAGTCAGAATTTTACATACA[C>G]TACTAACTCTGGTTAACAAACACAGAAATTGTGACAAATTTGAAGTGAATACACAGAGCG-3'
Protein context (NP_001035957.1, residues 2406-2426): VARTVRILHT[Leu2416Val]LTLVNKHRNC

ClinVar aggregate classification (germline): Uncertain significance. Review status: criteria provided, multiple submitters, no conflicts (2 of 4 stars). 3 submissions from 3 submitters: Uncertain significance (3). Last evaluated 2025-08-17.

Conditions:
Cardiovascular phenotype. Identifiers: MedGen CN230736.
Hereditary cancer-predisposing syndrome. Also called: Hereditary Cancer Syndrome; Tumor predisposition; Hereditary neoplastic syndrome; Neoplastic Syndromes, Hereditary. Identifiers: Orphanet 140162, MedGen C0027672, MeSH D009386, MONDO:0015356.
Neurofibromatosis, type 1 (NF1). Also called: Peripheral type neurofibromatosis; Neurofibromatosis, type I; VON RECKLINGHAUSEN DISEASE; NEUROFIBROMATOSIS, TYPE I, SOMATIC. Identifiers: Orphanet 636, MedGen C0027831, MONDO:0018975, OMIM 162200. Disease mechanism: loss of function.
Neurofibromatosis-Noonan syndrome (NFNS). Also called: NEUROFIBROMATOSIS WITH NOONAN PHENOTYPE. Identifiers: Orphanet 638, MedGen C2931482, MONDO:0011035, OMIM 601321. Disease mechanism: loss of function.
Café-au-lait macules with pulmonary stenosis (WTSN). Also called: PULMONIC STENOSIS WITH CAFE-AU-LAIT SPOTS. Identifiers: MedGen C0553586, MONDO:0008672, OMIM 193520.
Juvenile myelomonocytic leukemia (JMML). Also called: LEUKEMIA, JUVENILE MYELOMONOCYTIC, SOMATIC. Identifiers: Orphanet 86834, MedGen C0349639, MONDO:0011908, OMIM 607785, HP:0012209.
Neurofibromatosis, familial spinal (FSNF). Identifiers: Orphanet 636, MedGen C1834235, MONDO:0008078, OMIM 162210. Disease mechanism: loss of function.

gnomAD v4.1: 1 of 1,612,764 alleles (0.000062%); highest among the groups gnomAD compares: Non-Finnish European, 0.000085%; no homozygotes.

Submissions (3):

Labcorp Genetics (formerly Invitae), Labcorp
Classification: Uncertain significance for Neurofibromatosis, type 1. Last evaluated: 2025-08-17. Review status: criteria provided, single submitter. Criteria: Invitae Variant Classification Sherloc (09022015). Collection method: clinical testing. Allele origin: germline.
Comment: This sequence change replaces leucine, which is neutral and non-polar, with valine, which is neutral and non-polar, at codon 2395 of the NF1 protein (p.Leu2395Val). This variant is not present in population databases (gnomAD no frequency). This variant has not been reported in the literature in individuals affected with NF1-related conditions. ClinVar contains an entry for this variant (Variation ID: 1056093). Invitae Evidence Modeling of protein sequence and biophysical properties (such as structural, functional, and spatial information, amino acid conservation, physicochemical variation, residue mobility, and thermodynamic stability) has been performed for this missense variant. However, the output from this modeling did not meet the statistical confidence thresholds required to predict the impact of this variant on NF1 protein function. This variant disrupts the p.Leu2395 amino acid residue in NF1. Other variant(s) that disrupt this residue have been determined to be pathogenic (PMID: 31370276; internal data). This suggests that this residue is clinically significant, and that variants that disrupt this residue are likely to be disease-causing. In summary, the available evidence is currently insufficient to determine the role of this variant in disease. Therefore, it has been classified as a Variant of Uncertain Significance.

Fulgent Genetics
Classification: Uncertain significance for Neurofibromatosis, type 1; Neurofibromatosis, familial spinal; Café-au-lait macules with pulmonary stenosis; Neurofibromatosis-Noonan syndrome; Juvenile myelomonocytic leukemia. Last evaluated: 2024-03-05. Review status: criteria provided, single submitter. Criteria: ACMG Guidelines, 2015. Collection method: clinical testing. Allele origin: germline.

Ambry Genetics
Classification: Uncertain significance for Cardiovascular phenotype; Hereditary cancer-predisposing syndrome. Last evaluated: 2023-08-25. Review status: criteria provided, single submitter. Criteria: Ambry Variant Classification Scheme 2023. Collection method: clinical testing. Allele origin: germline.
Comment: The p.L2395V variant (also known as c.7183C>G), located in coding exon 48 of the NF1 gene, results from a C to G substitution at nucleotide position 7183. The leucine at codon 2395 is replaced by valine, an amino acid with highly similar properties. This amino acid position is highly conserved in available vertebrate species. In addition, the in silico prediction for this alteration is inconclusive. Since supporting evidence is limited at this time, the clinical significance of this alteration remains unclear.

Literature cited by the submitters: PubMed 31370276 (cited by Labcorp Genetics (formerly Invitae), Labcorp).